The following is an entry in ClinVar:

NM_000043.6(FAS):c.214G>A (p.Asp72Asn)

Gene: FAS (Fas cell surface death receptor; plus strand). Cytogenetic location: 10q23.31.
Variant type: single nucleotide variant.
Coding change: c.214G>A on transcript NM_000043.6 (MANE Select); coding-DNA position 214, G replaced by A.
Protein change: p.Asp72Asn; replaces aspartic acid 72 with asparagine.
Molecular consequence: missense variant. On other transcripts: non-coding transcript variant (4).
Genome position (GRCh38, 1-based): chr10:89,007,717, G>A. VCF-style: chr10-89007717-G-A. GRCh37 (hg19) VCF-style: chr10-90767474-G-A.
Other names: c.214G>A, p.Asp72Asn (NM_001320619.2, NM_152871.4, NM_152872.4); c.259G>A, p.Asp87Asn (NM_001410956.1); short protein forms D87N, D72N.
Identifiers: ClinVar variation 3662492 (VCV003662492.2).

ClinVar aggregate classification (germline): Uncertain significance (1 of 4 stars; one submission).

Conditions:
Autoimmune lymphoproliferative syndrome type 1. Also called: AUTOIMMUNE LYMPHOPROLIFERATIVE SYNDROME, TYPE I, AUTOSOMAL DOMINANT. Identifiers: Orphanet 3261, MedGen C2717884, MONDO:0011158, OMIM 601859.

Submission:

Labcorp Genetics (formerly Invitae), Labcorp
Classification: Uncertain significance for Autoimmune lymphoproliferative syndrome. Last evaluated: 2024-10-03. Review status: criteria provided, single submitter. Criteria: Invitae Variant Classification Sherloc (09022015). Collection method: clinical testing. Allele origin: germline.
Comment: This sequence change replaces aspartic acid, which is acidic and polar, with asparagine, which is neutral and polar, at codon 72 of the FAS protein (p.Asp72Asn). This variant is not present in population databases (gnomAD no frequency). This variant has not been reported in the literature in individuals affected with FAS-related conditions. Invitae Evidence Modeling of protein sequence and biophysical properties (such as structural, functional, and spatial information, amino acid conservation, physicochemical variation, residue mobility, and thermodynamic stability) has been performed for this missense variant. However, the output from this modeling did not meet the statistical confidence thresholds required to predict the impact of this variant on FAS protein function. In summary, the available evidence is currently insufficient to determine the role of this variant in disease. Therefore, it has been classified as a Variant of Uncertain Significance.